The following is an entry in ClinVar:

ClinVar aggregate classification (germline): Uncertain significance (1 of 4 stars; one submission).

Submission:

Ambry Genetics
Classification: Uncertain significance. Last evaluated: 2021-09-30. Review status: criteria provided, single submitter. Criteria: Ambry Variant Classification Scheme 2023. Collection method: clinical testing. Allele origin: germline.
Comment: The c.389_390delAT variant, located in coding exon 2 of the GALNT12 gene, results from a deletion of two nucleotides at nucleotide positions 389 to 390, causing a translational frameshift with a predicted alternate stop codon (p.Y130*). This alteration is expected to result in premature protein truncation or nonsense-mediated mRNA decay. However, the gene-disease association for GALNT12 is limited. Since supporting evidence is limited at this time, the clinical significance of this alteration remains unclear.

NM_024642.5(GALNT12):c.389_390del (p.Lys129_Tyr130insTer)

Gene: GALNT12 (polypeptide N-acetylgalactosaminyltransferase 12; plus strand). Cytogenetic location: 9q22.33.
Variant type: Microsatellite.
Coding change: c.389_390del on transcript NM_024642.5 (MANE Select); coding-DNA positions 389 to 390, 2 bases deleted (AT; older notation c.389_390delAT).
Protein change: p.Lys129_Tyr130insTer.
Molecular consequence: nonsense.
Genome position (GRCh38, 1-based): chr9:98,823,273-98,823,274, AT deleted; deleting any 2 consecutive bases within chr9:98,823,271-98,823,274 gives the same sequence; the c. name uses the placement nearest the transcript's 3' end. VCF-style (leftmost placement, unchanged base first): chr9-98823270-AAT-A. GRCh37 (hg19) VCF-style: chr9-101585552-AAT-A.
Identifiers: ClinVar variation 1735893 (VCV001735893.2), dbSNP rs2490491956, ClinGen allele CA2580616257.
Genomic context (GRCh38, chr9:98,823,270, plus strand): 5'-AGCCTGGGCTAGATCCTGAGTTCCTGAAGTTCCGCTGTATTTGCAGGTGCAAAGAGAAGA[AAT>A]ATGATTATGATAATTTGCCCAGGACATCTGTTATCATAGCATTTTATAATGAAGCCTGGT-3'